The following is an entry in ClinVar:

ClinVar aggregate classification (germline): Likely benign. Review status: criteria provided, multiple submitters, no conflicts (2 of 4 stars). 4 submissions from 4 submitters: Likely benign (3). 1 of the submissions does not count toward it. Last evaluated 2024-07-19.

Conditions:
ATP6V1B1-related disorder. Also called: ATP6V1B1-related condition.
Renal tubular acidosis with progressive nerve deafness. Also called: Distal Renal Tubular Acidosis with Progressive Sensorineural Deafness; RENAL TUBULAR ACIDOSIS, AUTOSOMAL RECESSIVE, WITH PROGRESSIVE NERVE DEAFNESS; RTA WITH PROGRESSIVE NERVE DEAFNESS; renal tubular acidosis, distal, 2, with progressive sensorineural hearing loss. Identifiers: MedGen C0403554, MONDO:0009968, OMIM 267300.

Allele frequency attached by ClinVar (database versions not stated): gnomAD exomes 0.00017 and 0.00039; ExAC 0.00047; 1000 Genomes Project 0.00060; 1000 Genomes Project 30x 0.00062; gnomAD 0.00192 and 0.00210; TOPMed 0.00210; ESP Exome Variant Server 0.00254.
gnomAD v4.1: 547 of 1,605,966 alleles (0.034%); highest among the groups gnomAD compares: African/African-American, 0.66%; 1 homozygote.

Submissions (4):

Blueprint Genetics
Classification: Likely benign. Last evaluated: 2024-07-19. Review status: criteria provided, single submitter. Criteria: ACMG Guidelines, 2015. Collection method: clinical testing. Allele origin: germline.

GeneDx
Classification: Likely benign. Last evaluated: 2020-07-20. Review status: criteria provided, single submitter. Criteria: GeneDx Variant Classification Process June 2021. Collection method: clinical testing. Allele origin: germline. Affected: yes.

Illumina Laboratory Services, Illumina
Classification: Likely benign for Renal tubular acidosis with progressive nerve deafness. Last evaluated: 2018-01-13. Review status: criteria provided, single submitter. Criteria: ICSL Variant Classification Criteria 13 December 2019. Collection method: clinical testing. Allele origin: germline.
Comment: This variant was observed in the ICSL laboratory as part of a predisposition screen in an ostensibly healthy population. It had not been previously curated by ICSL or reported in the Human Gene Mutation Database (HGMD: prior to June 1st, 2018), and was therefore a candidate for classification through an automated scoring system. Utilizing variant allele frequency, disease prevalence and penetrance estimates, and inheritance mode, an automated score was calculated to assess if this variant is too frequent to cause the disease. Based on the score and internal cut-off values, a variant classified as likely benign is not then subjected to further curation. The score for this variant resulted in a classification of likely benign for this disease.

PreventionGenetics, part of Exact Sciences
Classification: Likely benign for ATP6V1B1-related condition. Last evaluated: 2021-06-09. Review status: no assertion criteria provided. Collection method: clinical testing. Allele origin: germline. Not counted in ClinVar's aggregate classification.
Comment: This variant is classified as likely benign based on ACMG/AMP sequence variant interpretation guidelines (Richards et al. 2015 PMID: 25741868, with internal and published modifications).

NM_001692.4(ATP6V1B1):c.-17C>T

Gene: ATP6V1B1 (ATPase H+ transporting V1 subunit B1; plus strand). Cytogenetic location: 2p13.3.
Variant type: single nucleotide variant.
Coding change: c.-17C>T on transcript NM_001692.4 (MANE Select); 17 bases upstream of the start codon, C replaced by T.
Molecular consequence: 5 prime UTR variant.
Genome position (GRCh38, 1-based): chr2:70,935,938, C>T. VCF-style: chr2-70935938-C-T. GRCh37 (hg19) VCF-style: chr2-71163068-C-T.
Identifiers: ClinVar variation 336916 (VCV000336916.10), dbSNP rs202030952, ClinGen allele CA1700805.